The following is an entry in ClinVar:

NM_001378452.1(ITPR1):c.7784G>A (p.Gly2595Glu)

Genes: ITPR1 (inositol 1,4,5-trisphosphate receptor type 1; plus strand), LOC126806590 (MED14-independent group 3 enhancer GRCh37_chr3:4855759-4856958; plus strand). Cytogenetic location: 3p26.1.
Variant type: single nucleotide variant.
Coding change: c.7784G>A on transcript NM_001378452.1 (MANE Select); coding-DNA position 7784, G replaced by A.
Protein change: p.Gly2595Glu; replaces glycine 2595 with glutamic acid.
Molecular consequence: missense variant.
Genome position (GRCh38, 1-based): chr3:4,815,135, G>A. VCF-style: chr3-4815135-G-A. GRCh37 (hg19) VCF-style: chr3-4856819-G-A.
Other names: c.7640G>A, p.Gly2547Glu (NM_001099952.4); c.7739G>A, p.Gly2580Glu (NM_001168272.2); c.7595G>A, p.Gly2532Glu (NM_002222.7); c.7595G>A (NM_002222.5); short protein forms G2580E, G2532E, G2547E, G2595E.
Identifiers: ClinVar variation 224119 (VCV000224119.41), dbSNP rs869312685, ClinGen allele CA353411.

ClinVar aggregate classification (germline): Pathogenic. Review status: criteria provided, multiple submitters, no conflicts (2 of 4 stars). 3 submissions from 3 submitters: Pathogenic (3). Last evaluated 2023-09-14.

Conditions:
Spinocerebellar ataxia type 15/16 (SCA15). Also called: Spinocerebellar Ataxia Type 15. Identifiers: Orphanet 98769, MedGen C1847725, MONDO:0011694, OMIM 606658.

Submissions (3):

GeneDx
Classification: Pathogenic. Last evaluated: 2023-09-14. Review status: criteria provided, single submitter. Criteria: GeneDx Variant Classification Process June 2021. Collection method: clinical testing. Allele origin: germline. Affected: yes.
Comment: Not observed at significant frequency in large population cohorts (gnomAD); In silico analysis supports that this missense variant has a deleterious effect on protein structure/function; In silico analysis suggests this variant may impact gene splicing. In the absence of RNA/functional studies, the actual effect of this sequence change is unknown.; This variant is associated with the following publications: (PMID: 28554332)

CeGaT Center for Human Genetics Tuebingen
Classification: Pathogenic. Last evaluated: 2020-10-01. Review status: criteria provided, single submitter. Criteria: CeGaT Center For Human Genetics Tuebingen Variant Classification Criteria Version 2. Collection method: clinical testing. Allele origin: germline. Affected: yes. Observed: 1 variant allele.

HudsonAlpha Institute for Biotechnology
Classification: Pathogenic for Spinocerebellar ataxia type 15/16. Last evaluated: 2015-03-10. Review status: criteria provided, single submitter. Criteria: HA_assertions_20161101. Collection method: research. Allele origin: de novo. Affected: yes. Observed: 1 variant allele. Study: CSER-HudsonAlpha.